The following is an entry in ClinVar:

ClinVar aggregate classification (germline): Uncertain significance (1 of 4 stars; one submission).

Conditions:
Cardiomyopathy (CMYO). Also called: Cardiomyopathies. Identifiers: Orphanet 167848, MedGen C0878544, MONDO:0004994, HP:0001638. Inheritance: Various modes of inheritance.

Submission:

Color Diagnostics, LLC DBA Color Health
Classification: Uncertain significance for Cardiomyopathy. Last evaluated: 2018-10-02. Review status: criteria provided, single submitter. Criteria: ACMG Guidelines, 2015. Collection method: clinical testing. Allele origin: germline.
Comment: Variant of Uncertain Significance due to insufficient evidence: This intronic variant is located near the intron 4 splice acceptor site of the MYL3 gene. Computational splicing tools suggest that this variant may impact RNA splicing. To our knowledge, functional assays have not been performed for this variant nor has this variant been reported in individuals affected with cardiovascular disorders in the literature. This variant is rare in the general population and has been identified in 0/277264 chromosomes by the Genome Aggregation Database (gnomAD). Available evidence is insufficient to determine the pathogenicity of this variant conclusively.

NM_000258.3(MYL3):c.482-9T>A

Gene: MYL3 (myosin light chain 3; minus strand). Cytogenetic location: 3p21.31.
Variant type: single nucleotide variant.
Coding change: c.482-9T>A on transcript NM_000258.3 (MANE Select); 9 bases into the intron before coding-DNA position 482, T replaced by A.
Molecular consequence: intron variant.
Genome position (GRCh38, 1-based): chr3:46,858,470, A>T on the plus strand (T>A on the coding strand, the complement: MYL3 is on the minus strand). VCF-style: chr3-46858470-A-T. GRCh37 (hg19) VCF-style: chr3-46899960-A-T.
Identifiers: ClinVar variation 629340 (VCV000629340.2), dbSNP rs1559519895, ClinGen allele CA913188098.
Genomic context (GRCh38, chr3:46,858,470, plus strand): 5'-TCCTCTTGCCCAGCCATCAACTTCTCCACTTCGTCTTCTGTCAGCCTCTCACCTGGCAGG[A>T]GTGGGAGGCTGAGTCAGCACCGTGCGTGCAGAGGCATGATGGGGTGGGGGCACCCACTGA-3'